The following is an entry in ClinVar:

NM_002354.3(EPCAM):c.821T>C (p.Val274Ala)

Gene: EPCAM (epithelial cell adhesion molecule; plus strand). Cytogenetic location: 2p21.
Variant type: single nucleotide variant.
Coding change: c.821T>C on transcript NM_002354.3 (MANE Select); coding-DNA position 821, T replaced by C.
Protein change: p.Val274Ala; replaces valine 274 with alanine.
Molecular consequence: missense variant.
Genome position (GRCh38, 1-based): chr2:47,379,932, T>C. VCF-style: chr2-47379932-T-C. GRCh37 (hg19) VCF-style: chr2-47607071-T-C.
Other names: short protein forms V274A.
Identifiers: ClinVar variation 3509170 (VCV003509170.1).

ClinVar aggregate classification (germline): Uncertain significance (1 of 4 stars; one submission).

Conditions:
Hereditary cancer-predisposing syndrome. Also called: Tumor predisposition; Neoplastic Syndromes, Hereditary; Hereditary Cancer Syndrome; Hereditary neoplastic syndrome. Identifiers: Orphanet 140162, MedGen C0027672, MeSH D009386, MONDO:0015356.

Submission:

Ambry Genetics
Classification: Uncertain significance for Hereditary cancer-predisposing syndrome. Last evaluated: 2024-07-02. Review status: criteria provided, single submitter. Criteria: Ambry Variant Classification Scheme 2023. Collection method: clinical testing. Allele origin: germline.
Comment: The p.V274A variant (also known as c.821T>C), located in coding exon 7 of the EPCAM gene, results from a T to C substitution at nucleotide position 821. The valine at codon 274 is replaced by alanine, an amino acid with similar properties. This amino acid position is conserved. In addition, this alteration is predicted to be deleterious by in silico analysis. Based on the available evidence, the clinical significance of this variant remains unclear.